The following is an entry in ClinVar:

NM_000416.3(IFNGR1):c.77C>T (p.Pro26Leu)

Gene: IFNGR1 (interferon gamma receptor 1; minus strand). Cytogenetic location: 6q23.3.
Variant type: single nucleotide variant.
Coding change: c.77C>T on transcript NM_000416.3 (MANE Select); coding-DNA position 77, C replaced by T.
Protein change: p.Pro26Leu; replaces proline 26 with leucine.
Molecular consequence: missense variant.
Genome position (GRCh38, 1-based): chr6:137,219,251, G>A on the plus strand (C>T on the coding strand, the complement: IFNGR1 is on the minus strand). VCF-style: chr6-137219251-G-A. GRCh37 (hg19) VCF-style: chr6-137540388-G-A.
Other names: short protein forms P26L.
Identifiers: ClinVar variation 652671 (VCV000652671.10), dbSNP rs768232887, ClinGen allele CA4019097.
Genomic context (GRCh38, chr6:137,219,251, plus strand): 5'-CTCCCTCCCTCTCGTCCCGACCCGGCCGCAGCCCTGCCGCGAACGACGGTACCTGAGGAC[G>A]GCCCCAGATCCGCGGTGCCCATCTCAGCCCTGCTCACACCCTGCATGACAAGGGGTAGGA-3'
Protein context (NP_000407.1, residues 16-36): RAEMGTADLG[Pro26Leu]SSVPTPTNVT

ClinVar aggregate classification (germline): Uncertain significance (1 of 4 stars; one submission).

Conditions:
Disseminated atypical mycobacterial infection. Identifiers: MedGen C0694566.

Allele frequency attached by ClinVar (database versions not stated): TOPMed 0.00002; gnomAD 0.00003 and 0.00004.
gnomAD v4.1: 56 of 1,610,292 alleles (0.0035%); highest among the groups gnomAD compares: Non-Finnish European, 0.0043%; no homozygotes.

Submission:

Labcorp Genetics (formerly Invitae), Labcorp
Classification: Uncertain significance for Disseminated atypical mycobacterial infection. Last evaluated: 2025-06-17. Review status: criteria provided, single submitter. Criteria: Invitae Variant Classification Sherloc (09022015). Collection method: clinical testing. Allele origin: germline.
Comment: This sequence change replaces proline, which is neutral and non-polar, with leucine, which is neutral and non-polar, at codon 26 of the IFNGR1 protein (p.Pro26Leu). The frequency data for this variant in the population databases is considered unreliable, as metrics indicate poor data quality at this position in the gnomAD database. This variant has not been reported in the literature in individuals affected with IFNGR1-related conditions. ClinVar contains an entry for this variant (Variation ID: 652671). Invitae Evidence Modeling of protein sequence and biophysical properties (such as structural, functional, and spatial information, amino acid conservation, physicochemical variation, residue mobility, and thermodynamic stability) indicates that this missense variant is not expected to disrupt IFNGR1 protein function with a negative predictive value of 80%. In summary, the available evidence is currently insufficient to determine the role of this variant in disease. Therefore, it has been classified as a Variant of Uncertain Significance.